The following is an entry in ClinVar:

NM_000217.3(KCNA1):c.894G>C (p.Arg298Ser)

Gene: KCNA1 (potassium voltage-gated channel subfamily A member 1; plus strand). Cytogenetic location: 12p13.32.
Variant type: single nucleotide variant.
Coding change: c.894G>C on transcript NM_000217.3 (MANE Select); coding-DNA position 894, G replaced by C.
Protein change: p.Arg298Ser; replaces arginine 298 with serine.
Molecular consequence: missense variant.
Genome position (GRCh38, 1-based): chr12:4,912,272, G>C. VCF-style: chr12-4912272-G-C. GRCh37 (hg19) VCF-style: chr12-5021438-G-C.
Other names: c.894G>C (NM_000217.2); short protein forms R298S.
Identifiers: ClinVar variation 2102356 (VCV002102356.5), dbSNP rs1947357175, ClinGen allele CA383455573.

ClinVar aggregate classification (germline): Uncertain significance. Review status: criteria provided, multiple submitters, no conflicts (2 of 4 stars). 2 submissions from 2 submitters: Uncertain significance (2). Last evaluated 2023-04-10.

Conditions:
Episodic ataxia type 1 (EA1). Also called: Episodic ataxia/myokymia syndrome; MYOKYMIA WITH PERIODIC ATAXIA; ATAXIA, EPISODIC, WITH MYOKYMIA; PAROXYSMAL ATAXIA WITH NEUROMYOTONIA, HEREDITARY. Identifiers: Orphanet 37612, Orphanet 972, MedGen C1719788, MONDO:0008047, OMIM 160120.

Submissions (2):

GeneDx
Classification: Uncertain significance. Last evaluated: 2023-04-10. Review status: criteria provided, single submitter. Criteria: GeneDx Variant Classification Process June 2021. Collection method: clinical testing. Allele origin: germline. Affected: yes.
Comment: Not observed at significant frequency in large population cohorts (gnomAD); In silico analysis supports that this missense variant has a deleterious effect on protein structure/function; Has not been previously published as pathogenic or benign to our knowledge

Labcorp Genetics (formerly Invitae), Labcorp
Classification: Uncertain significance for Episodic ataxia type 1. Last evaluated: 2022-02-23. Review status: criteria provided, single submitter. Criteria: Invitae Variant Classification Sherloc (09022015). Collection method: clinical testing. Allele origin: germline.
Comment: This sequence change replaces arginine, which is basic and polar, with serine, which is neutral and polar, at codon 298 of the KCNA1 protein (p.Arg298Ser). This variant is not present in population databases (gnomAD no frequency). This variant has not been reported in the literature in individuals affected with KCNA1-related conditions. Advanced modeling of protein sequence and biophysical properties (such as structural, functional, and spatial information, amino acid conservation, physicochemical variation, residue mobility, and thermodynamic stability) performed at Invitae indicates that this missense variant is expected to disrupt KCNA1 protein function. In summary, the available evidence is currently insufficient to determine the role of this variant in disease. Therefore, it has been classified as a Variant of Uncertain Significance.